The following is an entry in ClinVar:

NM_000419.5(ITGA2B):c.1156C>T (p.Arg386Ter)

Gene: ITGA2B (integrin subunit alpha 2b; minus strand). Cytogenetic location: 17q21.31.
Variant type: single nucleotide variant.
Coding change: c.1156C>T on transcript NM_000419.5 (MANE Select); coding-DNA position 1156, C replaced by T.
Protein change: p.Arg386Ter; replaces arginine 386 with a stop codon.
Molecular consequence: nonsense.
Genome position (GRCh38, 1-based): chr17:44,383,547, G>A on the plus strand (C>T on the coding strand, the complement: ITGA2B is on the minus strand). VCF-style: chr17-44383547-G-A. GRCh37 (hg19) VCF-style: chr17-42460915-G-A.
Other names: short protein forms R386*.
Identifiers: ClinVar variation 2893443 (VCV002893443.3), dbSNP rs556258793, ClinGen allele CA290953888.

ClinVar aggregate classification (germline): Pathogenic (1 of 4 stars; one submission).

Conditions:
Glanzmann thrombasthenia. Also called: Glanzmann's thrombasthenia; BLEEDING DISORDER, PLATELET-TYPE, 2; THROMBASTHENIA OF GLANZMANN AND NAEGELI; PLATELET GLYCOPROTEIN IIb-IIIa DEFICIENCY; Thrombasthenia. Identifiers: Orphanet 849, MedGen C0040015, MONDO:0100326.

Allele frequency attached by ClinVar (database versions not stated): TOPMed below 0.00001.
gnomAD v4.1: 1 of 1,611,742 alleles (0.000062%); highest among the groups gnomAD compares: Non-Finnish European, 0.000085%; no homozygotes.

Submission:

Labcorp Genetics (formerly Invitae), Labcorp
Classification: Pathogenic for Glanzmann thrombasthenia. Last evaluated: 2023-10-06. Review status: criteria provided, single submitter. Criteria: Invitae Variant Classification Sherloc (09022015). Collection method: clinical testing. Allele origin: germline.
Comment: This sequence change creates a premature translational stop signal (p.Arg386*) in the ITGA2B gene. It is expected to result in an absent or disrupted protein product. Loss-of-function variants in ITGA2B are known to be pathogenic (PMID: 21917754). This variant is not present in population databases (gnomAD no frequency). This variant has not been reported in the literature in individuals affected with ITGA2B-related conditions. For these reasons, this variant has been classified as Pathogenic.

Literature cited by the submitters: PubMed 21917754.